The following is an entry in ClinVar:

NM_005751.5(AKAP9):c.5678_5679insAAT (p.Leu1893_Lys1894insIle)

Gene: AKAP9 (A-kinase anchoring protein 9; plus strand). Cytogenetic location: 7q21.2.
Variant type: Insertion.
Coding change: c.5678_5679insAAT on transcript NM_005751.5 (MANE Select); coding-DNA positions 5678 to 5679, AAT inserted.
Protein change: p.Leu1893_Lys1894insIle.
Molecular consequence: inframe insertion.
Genome position: GRCh38 VCF-style: chr7-92061335-C-CTAA. GRCh37 (hg19) VCF-style: chr7-91690649-C-CTAA.
Other names: c.323_324insAAT, p.Leu108_Lys109insIle (NM_001379277.1); c.5678_5679insAAT, p.Leu1893_Lys1894insIle (NM_147185.3).
Identifiers: ClinVar variation 2761281 (VCV002761281.3), dbSNP rs1809750572, ClinGen allele CA1725723807.

ClinVar aggregate classification (germline): Uncertain significance (1 of 4 stars; one submission).

Conditions:
Long QT syndrome (LQTS). Identifiers: MedGen C0023976, MeSH D008133, MONDO:0002442. Disease mechanism: loss of function. Inheritance: Various modes of inheritance.

Submission:

Labcorp Genetics (formerly Invitae), Labcorp
Classification: Uncertain significance for Long QT syndrome. Last evaluated: 2023-10-07. Review status: criteria provided, single submitter. Criteria: Invitae Variant Classification Sherloc (09022015). Collection method: clinical testing. Allele origin: germline.
Comment: This variant, c.5678_5679insAAT, results in the insertion of 1 amino acid(s) of the AKAP9 protein (p.Leu1893_Lys1894insIle), but otherwise preserves the integrity of the reading frame. This variant is not present in population databases (gnomAD no frequency). This variant has not been reported in the literature in individuals affected with AKAP9-related conditions. In summary, the available evidence is currently insufficient to determine the role of this variant in disease. Therefore, it has been classified as a Variant of Uncertain Significance.